The following is an entry in ClinVar:

NM_001099922.3(ALG13):c.935G>T (p.Arg312Leu)

Gene: ALG13 (ALG13 UDP-N-acetylglucosaminyltransferase subunit; plus strand). Cytogenetic location: Xq23.
Variant type: single nucleotide variant.
Coding change: c.935G>T on transcript NM_001099922.3 (MANE Select); coding-DNA position 935, G replaced by T.
Protein change: p.Arg312Leu; replaces arginine 312 with leucine.
Molecular consequence: missense variant. On other transcripts: non-coding transcript variant (1).
Genome position (GRCh38, 1-based): chrX:111,713,227, G>T. VCF-style: chrX-111713227-G-T. GRCh37 (hg19) VCF-style: chrX-110956455-G-T.
Other names: c.623G>T, p.Arg208Leu (NM_001257230.2, NM_001257234.2, NM_001257237.2 and 1 more transcripts); c.701G>T, p.Arg234Leu (NM_001257231.2); c.935G>T, p.Arg312Leu (NM_001324292.2); short protein forms R208L, R312L, R234L.
Identifiers: ClinVar variation 1426518 (VCV001426518.6), dbSNP rs1455053208, ClinGen allele CA414250463.
Genomic context (GRCh38, chrX:111,713,227, plus strand): 5'-CTATCTCTTACGTATGCCAAATTATGTCTTCCCACTTACCTTTGTTTTCCCCATATAGTC[G>T]GGATTTCATTCTTTATCGCTTTCCTGGAAAACCTCCAACTTATGTCACAGATAATGGCTA-3'
Protein context (NP_001093392.1, residues 302-322): EIRALSLIYN[Arg312Leu]DFILYRFPGK

ClinVar aggregate classification (germline): Uncertain significance (1 of 4 stars; one submission).

Conditions:
Developmental and epileptic encephalopathy, 36 (DEE36). Also called: Epileptic encephalopathy, early infantile, 36; ALG13-CDG; Congenital disorder of glycosylation, type Is. Identifiers: Orphanet 324422, MedGen C4317295, MONDO:0010472, OMIM 300884.

Submission:

Labcorp Genetics (formerly Invitae), Labcorp
Classification: Uncertain significance for Developmental and epileptic encephalopathy, 36. Last evaluated: 2024-02-23. Review status: criteria provided, single submitter. Criteria: Invitae Variant Classification Sherloc (09022015). Collection method: clinical testing. Allele origin: germline.
Comment: This sequence change replaces arginine, which is basic and polar, with leucine, which is neutral and non-polar, at codon 312 of the ALG13 protein (p.Arg312Leu). This variant is not present in population databases (gnomAD no frequency). This variant has not been reported in the literature in individuals affected with ALG13-related conditions. ClinVar contains an entry for this variant (Variation ID: 1426518). An algorithm developed to predict the effect of missense changes on protein structure and function (PolyPhen-2) suggests that this variant is likely to be disruptive. In summary, the available evidence is currently insufficient to determine the role of this variant in disease. Therefore, it has been classified as a Variant of Uncertain Significance.